The following is an entry in ClinVar:

ClinVar aggregate classification (germline): Conflicting classifications of pathogenicity. Review status: criteria provided, conflicting classifications (1 of 4 stars). 5 submissions from 4 submitters: Uncertain significance (2); Likely benign (3). Last evaluated 2025-12-30.

Conditions:
Meckel-Gruber syndrome. Also called: GRUBER SYNDROME; Dysencephalia splachnocystica; DYSENCEPHALIA SPLANCHNOCYSTICA. Identifiers: Orphanet 564, MedGen C0265215, MONDO:0018921.
Joubert syndrome. Also called: JOUBERT-BOLTSHAUSER SYNDROME; Familial aplasia of the vermis. Identifiers: Orphanet 475, MedGen C5979921, MONDO:0018772.
Meckel syndrome, type 8. Identifiers: Orphanet 564, MedGen C3836857, MONDO:0013482, OMIM 613885.
Joubert syndrome 24 (JBTS24). Identifiers: Orphanet 475, MedGen C4084841, MONDO:0014724, OMIM 616654.

Allele frequency attached by ClinVar (database versions not stated): TOPMed below 0.00001; gnomAD 0.00001; ExAC 0.00006; gnomAD exomes 0.00006; 1000 Genomes Project 30x 0.00016; 1000 Genomes Project 0.00020.
gnomAD v4.1: 68 of 1,613,198 alleles (0.0042%); highest among the groups gnomAD compares: Middle Eastern, 0.033%; no homozygotes.

Submissions (5):

Labcorp Genetics (formerly Invitae), Labcorp
Classification: Likely benign for Joubert syndrome; Meckel-Gruber syndrome. Last evaluated: 2025-12-30. Review status: criteria provided, single submitter. Criteria: Invitae Variant Classification Sherloc (09022015). Collection method: clinical testing. Allele origin: germline.

CeGaT Center for Human Genetics Tuebingen
Classification: Likely benign. Last evaluated: 2025-04-01. Review status: criteria provided, single submitter. Criteria: CeGaT Center For Human Genetics Tuebingen Variant Classification Criteria Version 2. Collection method: clinical testing. Allele origin: germline. Affected: yes. Observed: 1 variant allele.
Comment: TCTN2: BP4, BP7

Blueprint Genetics
Classification: Likely benign. Last evaluated: 2024-07-30. Review status: criteria provided, single submitter. Criteria: ACMG Guidelines, 2015. Collection method: clinical testing. Allele origin: germline.

Illumina Laboratory Services, Illumina
Classification: Uncertain significance for Joubert syndrome 24. Last evaluated: 2018-01-12. Review status: criteria provided, single submitter. Criteria: ICSL Variant Classification Criteria 13 December 2019. Collection method: clinical testing. Allele origin: germline.

Illumina Laboratory Services, Illumina
Classification: Uncertain significance for Meckel syndrome, type 8. Last evaluated: 2018-01-12. Review status: criteria provided, single submitter. Criteria: ICSL Variant Classification Criteria 13 December 2019. Collection method: clinical testing. Allele origin: germline.

NM_024809.5(TCTN2):c.1662C>T (p.Asn554=)

Gene: TCTN2 (tectonic family member 2; plus strand). Cytogenetic location: 12q24.31.
Variant type: single nucleotide variant.
Coding change: c.1662C>T on transcript NM_024809.5 (MANE Select); coding-DNA position 1662, C replaced by T.
Protein change: p.Asn554=; no amino-acid change (asparagine 554 retained).
Molecular consequence: synonymous variant.
Genome position (GRCh38, 1-based): chr12:123,704,581, C>T. VCF-style: chr12-123704581-C-T. GRCh37 (hg19) VCF-style: chr12-124189128-C-T.
Other names: c.1659C>T, p.Asn553= (NM_001143850.3).
Identifiers: ClinVar variation 881784 (VCV000881784.20), dbSNP rs553095875, ClinGen allele CA6861295.
Genomic context (GRCh38, chr12:123,704,581, plus strand): 5'-CATTTCTATAGGTGTAGATGCCCCTGATCCAGGTGCAGACCCGCTGGCTAGCAGTGTGAA[C>T]GGCATGTGCCTGGATATTCCTGCTCACCTGAGCATCCGCATCCTCATCTCGGATGCTGGC-3'
Protein context (NP_079085.2, residues 544-564): PGADPLASSV[Asn554=]GMCLDIPAHL